The following is an entry in ClinVar:

ClinVar aggregate classification (germline): Uncertain significance. Review status: criteria provided, multiple submitters, no conflicts (2 of 4 stars). 4 submissions from 4 submitters: Uncertain significance (4). Last evaluated 2025-10-28.

Conditions:
Inborn genetic diseases. Identifiers: MedGen C0950123, MeSH D030342.

Allele frequency attached by ClinVar (database versions not stated): gnomAD exomes 0.00008; ExAC 0.00010; ESP Exome Variant Server 0.00015.
gnomAD v4.1: 247 of 1,585,112 alleles (0.016%); highest among the groups gnomAD compares: Non-Finnish European, 0.019%; no homozygotes.

Submissions (4):

Labcorp Genetics (formerly Invitae), Labcorp
Classification: Uncertain significance. Last evaluated: 2025-10-28. Review status: criteria provided, single submitter. Criteria: Invitae Variant Classification Sherloc (09022015). Collection method: clinical testing. Allele origin: germline.
Comment: This sequence change replaces arginine, which is basic and polar, with histidine, which is basic and polar, at codon 378 of the COL9A3 protein (p.Arg378His). This variant is present in population databases (rs145729725, gnomAD 0.02%). This variant has not been reported in the literature in individuals affected with COL9A3-related conditions. ClinVar contains an entry for this variant (Variation ID: 1204401). Invitae Evidence Modeling of protein sequence and biophysical properties (such as structural, functional, and spatial information, amino acid conservation, physicochemical variation, residue mobility, and thermodynamic stability) indicates that this missense variant is not expected to disrupt COL9A3 protein function with a negative predictive value of 95%. In summary, the available evidence is currently insufficient to determine the role of this variant in disease. Therefore, it has been classified as a Variant of Uncertain Significance.

Ambry Genetics
Classification: Uncertain significance for Inborn genetic diseases. Last evaluated: 2023-11-03. Review status: criteria provided, single submitter. Criteria: Ambry Variant Classification Scheme 2023. Collection method: clinical testing. Allele origin: germline.

GeneDx
Classification: Uncertain significance. Last evaluated: 2023-01-24. Review status: criteria provided, single submitter. Criteria: GeneDx Variant Classification Process June 2021. Collection method: clinical testing. Allele origin: germline. Affected: yes.
Comment: Has not been previously published as pathogenic or benign to our knowledge; In silico analysis supports that this missense variant does not alter protein structure/function

Blueprint Genetics
Classification: Uncertain significance. Last evaluated: 2022-11-04. Review status: criteria provided, single submitter. Criteria: ACMG Guidelines, 2015. Collection method: clinical testing. Allele origin: germline.

NM_001853.4(COL9A3):c.1133G>A (p.Arg378His)

Gene: COL9A3 (collagen type IX alpha 3 chain; plus strand). Cytogenetic location: 20q13.33.
Variant type: single nucleotide variant.
Coding change: c.1133G>A on transcript NM_001853.4 (MANE Select); coding-DNA position 1133, G replaced by A.
Protein change: p.Arg378His; replaces arginine 378 with histidine.
Molecular consequence: missense variant.
Genome position (GRCh38, 1-based): chr20:62,829,791, G>A. VCF-style: chr20-62829791-G-A. GRCh37 (hg19) VCF-style: chr20-61461143-G-A.
Other names: short protein forms R378H.
Identifiers: ClinVar variation 1204401 (VCV001204401.13), dbSNP rs145729725, ClinGen allele CA9949774.